The following is an entry in ClinVar:

NM_145262.4(GLYCTK):c.1464C>T (p.Asp488=)

Gene: GLYCTK (glycerate kinase; plus strand). Cytogenetic location: 3p21.2.
Variant type: single nucleotide variant.
Coding change: c.1464C>T on transcript NM_145262.4 (MANE Select); coding-DNA position 1464, C replaced by T.
Protein change: p.Asp488=; no amino-acid change (aspartic acid 488 retained).
Molecular consequence: synonymous variant. On other transcripts: 3 prime UTR variant (1), non-coding transcript variant (2).
Genome position (GRCh38, 1-based): chr3:52,293,018, C>T. VCF-style: chr3-52293018-C-T. GRCh37 (hg19) VCF-style: chr3-52327034-C-T.
Other names: c.*583C>T (NM_001144951.2).
Identifiers: ClinVar variation 2653878 (VCV002653878.24), dbSNP rs765754153, ClinGen allele CA2432333.
Genomic context (GRCh38, chr3:52,293,018, plus strand): 5'-GCTTGCCAGCCAGGCTGCAGCTGAGGGCCTGGACATAGCCACCTTCCTAGCCCACAATGA[C>T]TCACATACCTTCTTCTGCTGCCTCCAGGGTGGGGCACACCTGCTGCACACAGGGATGACA-3'
Protein context (NP_660305.2, residues 478-498): LDIATFLAHN[Asp488=]SHTFFCCLQG

ClinVar aggregate classification (germline): Likely benign (1 of 4 stars; one submission).

Allele frequency attached by ClinVar (database versions not stated): TOPMed below 0.00001; gnomAD exomes 0.00001; ExAC 0.00002.
gnomAD v4.1: 8 of 1,614,224 alleles (0.0005%); highest among the groups gnomAD compares: South Asian, 0.0088%; no homozygotes.

Submission:

CeGaT Center for Human Genetics Tuebingen
Classification: Likely benign. Last evaluated: 2022-05-01. Review status: criteria provided, single submitter. Criteria: CeGaT Center For Human Genetics Tuebingen Variant Classification Criteria Version 2. Collection method: clinical testing. Allele origin: germline. Affected: yes. Observed: 1 variant allele.
Comment: GLYCTK: BP4, BP7